The following is an entry in ClinVar:

NC_000021.8:g.(?_45705869)_(45711113_?)del

Gene: AIRE (autoimmune regulator; plus strand). Cytogenetic location: 21q22.3.
Variant type: Deletion.
Identifiers: ClinVar variation 3248142 (VCV003248142.1).

ClinVar aggregate classification (germline): Pathogenic (1 of 4 stars; one submission).

Conditions:
Polyglandular autoimmune syndrome, type 1 (APS1). Also called: AUTOIMMUNE POLYENDOCRINE SYNDROME, TYPE I, WITH OR WITHOUT REVERSIBLE METAPHYSEAL DYSPLASIA; Whitaker syndrome; APS I; Autoimmune polyendocrinopathy syndrome, type I; HYPOADRENOCORTICISM WITH HYPOPARATHYROIDISM AND SUPERFICIAL MONILIASIS; PGA I. Identifiers: Orphanet 3453, MedGen C0085859, MONDO:0009411, OMIM 240300.

Submission:

Labcorp Genetics (formerly Invitae), Labcorp
Classification: Pathogenic for Polyglandular autoimmune syndrome, type 1. Last evaluated: 2022-12-20. Review status: criteria provided, single submitter. Criteria: Invitae Variant Classification Sherloc (09022015). Collection method: clinical testing. Allele origin: unknown.
Comment: For these reasons, this variant has been classified as Pathogenic. A similar copy number variant has been observed in individual(s) with autoimmune polyendocrinopathy with candidiasis and ectodermal dysplasia (Invitae). This variant is a gross deletion of the genomic region encompassing exon(s) 1-8 of the AIRE gene, which includes the initiator codon. This deletion extends beyond the assayed region for this gene and therefore may encompass additional genes. It is expected to result in an absent or disrupted protein product. Loss-of-function variants in AIRE are known to be pathogenic (PMID: 11524731, 26141571).

Literature cited by the submitters: PubMed 11524731; PubMed 26141571.